The following is an entry in ClinVar:

NM_198075.4(LRRC56):c.1534G>A (p.Ala512Thr)

Gene: LRRC56 (leucine rich repeat containing 56; plus strand). Cytogenetic location: 11p15.5.
Variant type: single nucleotide variant.
Coding change: c.1534G>A on transcript NM_198075.4 (MANE Select); coding-DNA position 1534, G replaced by A.
Protein change: p.Ala512Thr; replaces alanine 512 with threonine.
Molecular consequence: missense variant.
Genome position (GRCh38, 1-based): chr11:554,181, G>A. VCF-style: chr11-554181-G-A. GRCh37 (hg19) VCF-style: chr11-554181-G-A.
Other names: short protein forms A512T.
Identifiers: ClinVar variation 1407776 (VCV001407776.7), dbSNP rs745497752, ClinGen allele CA5780133.

ClinVar aggregate classification (germline): Uncertain significance (1 of 4 stars; one submission).

Allele frequency attached by ClinVar (database versions not stated): ExAC 0.00001; gnomAD 0.00001; gnomAD exomes 0.00001.
gnomAD v4.1: 40 of 1,571,592 alleles (0.0025%); highest among the groups gnomAD compares: Non-Finnish European, 0.0034%; no homozygotes.

Submission:

Labcorp Genetics (formerly Invitae), Labcorp
Classification: Uncertain significance. Last evaluated: 2022-07-12. Review status: criteria provided, single submitter. Criteria: Invitae Variant Classification Sherloc (09022015). Collection method: clinical testing. Allele origin: germline.
Comment: This sequence change replaces alanine, which is neutral and non-polar, with threonine, which is neutral and polar, at codon 512 of the LRRC56 protein (p.Ala512Thr). This variant is present in population databases (rs745497752, gnomAD 0.004%). This variant has not been reported in the literature in individuals affected with LRRC56-related conditions. ClinVar contains an entry for this variant (Variation ID: 1407776). Algorithms developed to predict the effect of missense changes on protein structure and function output the following: SIFT: "Deleterious"; PolyPhen-2: "Benign"; Align-GVGD: "Class C0". The threonine amino acid residue is found in multiple mammalian species, which suggests that this missense change does not adversely affect protein function. In summary, the available evidence is currently insufficient to determine the role of this variant in disease. Therefore, it has been classified as a Variant of Uncertain Significance.